The following is an entry in ClinVar:

NM_001384474.1(LOXHD1):c.6333C>T (p.Tyr2111=)

Gene: LOXHD1 (lipoxygenase homology PLAT domains 1; minus strand). Cytogenetic location: 18q21.1.
Variant type: single nucleotide variant.
Coding change: c.6333C>T on transcript NM_001384474.1 (MANE Select); coding-DNA position 6333, C replaced by T.
Protein change: p.Tyr2111=; no amino-acid change (tyrosine 2111 retained).
Molecular consequence: synonymous variant.
Genome position (GRCh38, 1-based): chr18:46,483,595, G>A on the plus strand (C>T on the coding strand, the complement: LOXHD1 is on the minus strand). VCF-style: chr18-46483595-G-A. GRCh37 (hg19) VCF-style: chr18-44063558-G-A.
Other names: c.3000C>T, p.Tyr1000= (NM_001145472.3); c.1050C>T, p.Tyr350= (NM_001145473.3, NM_001173129.2); c.2712C>T, p.Tyr904= (NM_001308013.2); c.6147C>T, p.Tyr2049= (NM_144612.7).
Identifiers: ClinVar variation 326828 (VCV000326828.20), dbSNP rs374858340, ClinGen allele CA8952056.

ClinVar aggregate classification (germline): Conflicting classifications of pathogenicity. Review status: criteria provided, conflicting classifications (1 of 4 stars). 5 submissions from 5 submitters: Uncertain significance (1); Likely benign (3). 1 of the submissions does not count toward it. Last evaluated 2025-11-17.

Conditions:
Autosomal recessive nonsyndromic hearing loss 77. Identifiers: Orphanet 90636, MedGen C2746083, MONDO:0013119, OMIM 613079.

Allele frequency attached by ClinVar (database versions not stated): gnomAD 0.00002 and 0.00003; ExAC 0.00005; gnomAD exomes 0.00007 and 0.00008; TOPMed 0.00008; ESP Exome Variant Server 0.00022; 1000 Genomes Project 30x 0.00031.
gnomAD v4.1: 109 of 1,551,530 alleles (0.007%); highest among the groups gnomAD compares: South Asian, 0.023%; no homozygotes.

Submissions (5):

Labcorp Genetics (formerly Invitae), Labcorp
Classification: Likely benign. Last evaluated: 2025-11-17. Review status: criteria provided, single submitter. Criteria: Invitae Variant Classification Sherloc (09022015). Collection method: clinical testing. Allele origin: germline.

GeneDx
Classification: Likely benign. Last evaluated: 2018-03-30. Review status: criteria provided, single submitter. Criteria: GeneDx Variant Classification (06012015). Collection method: clinical testing. Allele origin: germline. Affected: yes.
Comment: This variant is considered likely benign or benign based on one or more of the following criteria: it is a conservative change, it occurs at a poorly conserved position in the protein, it is predicted to be benign by multiple in silico algorithms, and/or has population frequency not consistent with disease.

Illumina Laboratory Services, Illumina
Classification: Uncertain significance for Autosomal recessive nonsyndromic hearing loss 77. Last evaluated: 2018-01-12. Review status: criteria provided, single submitter. Criteria: ICSL Variant Classification Criteria 13 December 2019. Collection method: clinical testing. Allele origin: germline.

Laboratory for Molecular Medicine, Mass General Brigham Personalized Medicine
Classification: Likely benign. Last evaluated: 2016-04-25. Review status: criteria provided, single submitter. Criteria: LMM Criteria. Collection method: clinical testing. Allele origin: germline. Observed: 1 variant allele.
Comment: p.Tyr2049Tyr in exon 39 of LOXHD1: This variant is not expected to have clinical significance because it does not alter an amino acid residue and is not located within the splice consensus sequence. It has been identified in 1/8732 of Europ ean chromosomes by the Exome Aggregation Consortium (ExAC; dbSNP rs374858340).

Natera, Inc.
Classification: Likely benign for Autosomal recessive deafness type 77. Last evaluated: 2020-02-10. Review status: no assertion criteria provided. Collection method: clinical testing. Allele origin: germline. Not counted in ClinVar's aggregate classification.